The following is an entry in ClinVar:

ClinVar aggregate classification (germline): Uncertain significance (1 of 4 stars; one submission).

Allele frequency attached by ClinVar (database versions not stated): gnomAD exomes below 0.00001; gnomAD 0.00001.
gnomAD v4.1: 4 of 1,563,820 alleles (0.00026%); highest among the groups gnomAD compares: Non-Finnish European, 0.00035%; no homozygotes.

Submission:

GeneDx
Classification: Uncertain significance. Last evaluated: 2023-06-26. Review status: criteria provided, single submitter. Criteria: GeneDx Variant Classification Process June 2021. Collection method: clinical testing. Allele origin: germline. Affected: yes.
Comment: Not observed at significant frequency in large population cohorts (gnomAD); In silico analysis supports that this missense variant has a deleterious effect on protein structure/function; Has not been previously published as pathogenic or benign to our knowledge

NM_001080453.3(INTS1):c.3887G>A (p.Arg1296His)

Gene: INTS1 (integrator complex subunit 1; minus strand). Cytogenetic location: 7p22.3.
Variant type: single nucleotide variant.
Coding change: c.3887G>A on transcript NM_001080453.3 (MANE Select); coding-DNA position 3887, G replaced by A.
Protein change: p.Arg1296His; replaces arginine 1296 with histidine.
Molecular consequence: missense variant.
Genome position (GRCh38, 1-based): chr7:1,480,897, C>T on the plus strand (G>A on the coding strand, the complement: INTS1 is on the minus strand). VCF-style: chr7-1480897-C-T. GRCh37 (hg19) VCF-style: chr7-1520533-C-T.
Other names: c.404G>A, p.Arg135His (NM_015674.1); short protein forms R1296H, R135H.
Identifiers: ClinVar variation 2506784 (VCV002506784.1), dbSNP rs200173262, ClinGen allele CA152527039.